The following is an entry in ClinVar:

NM_001042492.3(NF1):c.1721G>A (p.Ser574Asn)

Gene: NF1 (neurofibromin 1; plus strand). Cytogenetic location: 17q11.2.
Variant type: single nucleotide variant.
Coding change: c.1721G>A on transcript NM_001042492.3 (MANE Select); coding-DNA position 1721, G replaced by A.
Protein change: p.Ser574Asn; replaces serine 574 with asparagine.
Molecular consequence: missense variant.
Genome position (GRCh38, 1-based): chr17:31,221,929, G>A. VCF-style: chr17-31221929-G-A. GRCh37 (hg19) VCF-style: chr17-29548947-G-A.
Other names: c.1721G>A, p.Ser574Asn (NM_000267.4); c.1721G>A, p.Arg574Lys (NM_001128147.3); short protein forms S574N, R574K.
Identifiers: ClinVar variation 431976 (VCV000431976.22), dbSNP rs1555613206, ClinGen allele CA399002388.

ClinVar aggregate classification (germline): Pathogenic/Likely pathogenic. Review status: criteria provided, multiple submitters, no conflicts (2 of 4 stars). 10 submissions from 9 submitters: Pathogenic (7); Likely pathogenic (3). Last evaluated 2026-03-27.

Conditions:
Hereditary cancer-predisposing syndrome. Also called: Hereditary Cancer Syndrome; Tumor predisposition; Hereditary neoplastic syndrome; Neoplastic Syndromes, Hereditary. Identifiers: Orphanet 140162, MedGen C0027672, MeSH D009386, MONDO:0015356.
Cardiovascular phenotype. Identifiers: MedGen CN230736.
Neurofibromatosis-Noonan syndrome (NFNS). Also called: NEUROFIBROMATOSIS WITH NOONAN PHENOTYPE. Identifiers: Orphanet 638, MedGen C2931482, MONDO:0011035, OMIM 601321. Disease mechanism: loss of function.
Café-au-lait macules with pulmonary stenosis (WTSN). Also called: PULMONIC STENOSIS WITH CAFE-AU-LAIT SPOTS. Identifiers: MedGen C0553586, MONDO:0008672, OMIM 193520.
Juvenile myelomonocytic leukemia (JMML). Also called: LEUKEMIA, JUVENILE MYELOMONOCYTIC, SOMATIC. Identifiers: Orphanet 86834, MedGen C0349639, MONDO:0011908, OMIM 607785, HP:0012209.
Neurofibromatosis, familial spinal (FSNF). Identifiers: Orphanet 636, MedGen C1834235, MONDO:0008078, OMIM 162210. Disease mechanism: loss of function.
Neurofibromatosis, type 1 (NF1). Also called: NEUROFIBROMATOSIS, TYPE I, SOMATIC; VON RECKLINGHAUSEN DISEASE; Peripheral type neurofibromatosis; Neurofibromatosis, type I. Identifiers: Orphanet 636, MedGen C0027831, MONDO:0018975, OMIM 162200. Disease mechanism: loss of function.
Cafe au lait spots, multiple. Also called: Neurofibromatosis type 6. Identifiers: Orphanet 2678, MedGen C1861975, MONDO:0007245, OMIM 114030, HP:0007565. Disease mechanism: loss of function.

Submissions (10):

Myriad Genetics, Inc.
Classification: Likely pathogenic for Neurofibromatosis, type 1. Last evaluated: 2026-03-27. Review status: criteria provided, single submitter. Criteria: Myriad Autosomal Dominant, Autosomal Recessive and X-Linked Classification Criteria (2023). Collection method: clinical testing. Allele origin: unknown.
Comment: This variant is considered likely pathogenic. This variant has been reported in multiple individuals with clinical features of gene-specific disease [PMID: 24232412, 41300842, 16835897, 35119474, 10712197].

Labcorp Genetics (formerly Invitae), Labcorp
Classification: Pathogenic for Neurofibromatosis, type 1. Last evaluated: 2025-06-09. Review status: criteria provided, single submitter. Criteria: Invitae Variant Classification Sherloc (09022015). Collection method: clinical testing. Allele origin: germline.
Comment: This sequence change replaces serine, which is neutral and polar, with asparagine, which is neutral and polar, at codon 574 of the NF1 protein (p.Ser574Asn). This variant also falls at the last nucleotide of exon 15, which is part of the consensus splice site for this exon. This variant is not present in population databases (gnomAD no frequency). This missense change has been observed in individual(s) with neurofibromatosis type 1 (PMID: 10712197, 16835897, 24232412; internal data). In at least one individual the variant was observed to be de novo. Invitae Evidence Modeling of clinical and family history, age, sex, and reported ancestry of multiple individuals with this NF1 variant has been performed. This variant is expected to be pathogenic with a positive predictive value of at least 99%. This is a validated machine learning model that incorporates the clinical features of 1,785,918 individuals referred to our laboratory for NF1 testing. ClinVar contains an entry for this variant (Variation ID: 431976). An algorithm developed to predict the effect of missense changes on protein structure and function (PolyPhen-2) suggests that this variant is likely to be tolerated. Variants that disrupt the consensus splice site are a relatively common cause of aberrant splicing (PMID: 17576681, 9536098). Algorithms developed to predict the effect of sequence changes on RNA splicing suggest that this variant may disrupt the consensus splice site. For these reasons, this variant has been classified as Pathogenic.

Molecular Pathology, Peter Maccallum Cancer Centre
Classification: Pathogenic for Neurofibromatosis, type 1. Last evaluated: 2024-02-15. Review status: criteria provided, single submitter. Criteria: ACMG Guidelines, 2015. Collection method: clinical testing. Allele origin: germline. Inheritance: Autosomal dominant inheritance.

GeneDx
Classification: Pathogenic. Last evaluated: 2023-07-04. Review status: criteria provided, single submitter. Criteria: GeneDx Variant Classification Process June 2021. Collection method: clinical testing. Allele origin: germline. Affected: yes.
Comment: Not observed in large population cohorts (gnomAD); In silico analysis supports that this missense variant does not alter protein structure/function; Alters the last nucleotide of the exon and is predicted to destroy the splice donor site and result in aberrant splicing, although in the absence of functional evidence the actual effect of this sequence change is unknown; This variant is associated with the following publications: (PMID: 10712197, 16835897, 24232412, 29673180, 29685074, 25486365, 30014477)

Ambry Genetics
Classification: Pathogenic for Cardiovascular phenotype; Hereditary cancer-predisposing syndrome. Last evaluated: 2022-06-03. Review status: criteria provided, single submitter. Criteria: Ambry Variant Classification Scheme 2023. Collection method: clinical testing. Allele origin: germline.
Comment: The c.1721G>A pathogenic mutation (also known as p.S574N), located in coding exon 15 of the NF1 gene, results from a G to A substitution at nucleotide position 1721. The amino acid change results in serine to asparagine at codon 574, an amino acid with highly similar properties. However, this change occurs in the last base pair of coding exon 15, which makes it likely to have some effect on normal mRNA splicing. This alteration has been previously reported in multiple individuals diagnosed with neurofibromatosis type 1 (Fahsold R et al, Am. J. Hum. Genet. 2000 Mar; 66(3):790-818; Lee MJ et al, Hum. Mutat. 2006 Aug; 27(8):832; Palma Milla C et al. Ann. Hum. Genet. 2018 Nov;82(6):425-436; Stella A et al. Genes (Basel) 2018 Apr;9(4)). This amino acid position is highly conserved in available vertebrate species. In silico splice site analysis predicts that this alteration will weaken the native splice donor site; however, direct evidence is unavailable. In addition, this alteration is predicted to be tolerated by in silico analysis. Based on the supporting evidence, this alteration is interpreted as a disease-causing mutation.

Genome-Nilou Lab
Classification: Likely pathogenic for Neurofibromatosis, type 1. Last evaluated: 2022-03-15. Review status: criteria provided, single submitter. Criteria: ACMG Guidelines, 2015. Collection method: clinical testing. Allele origin: germline. Affected: no.

Centre for Mendelian Genomics, University Medical Centre Ljubljana
Classification: Pathogenic for Cafe au lait spots, multiple. Last evaluated: 2017-01-01. Review status: criteria provided, single submitter. Criteria: ACMG Guidelines, 2015. Collection method: clinical testing. Allele origin: unknown. Affected: yes.

Center for Human Genetics, Inc
Classification: Pathogenic for Neurofibromatosis, type 1. Last evaluated: 2016-11-01. Review status: criteria provided, single submitter. Criteria: ACMG Guidelines, 2015. Collection method: clinical testing. Allele origin: germline. Affected: yes.

Ambry Genetics
Classification: Likely pathogenic for Hereditary cancer-predisposing syndrome. Last evaluated: 2016-03-03. Review status: criteria provided, single submitter. Criteria: Ambry Autosomal Dominant and X-Linked criteria (10/2015). Collection method: clinical testing. Allele origin: germline. Observed: 1 variant allele.
Comment: The c.1721G>A variant (also known as p.S574N), located in coding exon 15 of the NF1 gene, results from a G to A substitution at nucleotide position 1721. The amino acid change results in serine to asparagine at codon 574, an amino acid with highly similar properties. However, this change occurs in the last base pair of coding exon 15, which makes it likely to have some effect on normal mRNA splicing. <span style="font-family:sans-serif,arial,verdana,trebuchet ms">This mutationhas been previously reported in multiple individuals diagnosedwithneurofibromatosistype1 (FahsoldR et al,Am. J. Hum. Genet. 2000 Mar; 66(3):790-818;Lee MJ et al,Hum.Mutat. 2006 Aug; 27(8):832)<span style="font-family:sans-serif,arial,verdana,trebuchet ms">.This variant was not reported in population based cohorts in the following databases: Database of Single Nucleotide Polymorphisms (dbSNP), NHLBI Exome Sequencing Project (ESP), and 1000 Genomes Project. In the ESP, this variant was not observed in 6500 samples (13000 alleles) with coverage at this position. Both the nucleotide andamino acid positions are highly conserved in available vertebrate species. Using the BDGP and ESEfinder splice site prediction tools, this alteration is predicted to abolish the native splice donor site; however, direct evidence is unavailable. In addition, this alteration is predicted to be tolerated by in silico analysis.Based on the majority of available evidence to date, this variant is likely to be pathogenic.

Juno Genomics, Hangzhou Juno Genomics, Inc
Classification: Pathogenic for Café-au-lait macules with pulmonary stenosis; Neurofibromatosis, type 1; Juvenile myelomonocytic leukemia; Neurofibromatosis, familial spinal; Neurofibromatosis-Noonan syndrome. Review status: criteria provided, single submitter. Criteria: ACMG Guidelines, 2015. Collection method: clinical testing. Allele origin: germline. Affected: yes.
Comment: Absent from controls (or at extremely low frequency if recessive) in Genome Aggregation Database.;Multiple lines of computational evidence support a deleterious effect on the gene or gene product.;Missense variant in a gene that has a low rate of benign missense variation.;Novel missense change at an amino acid residue where a different missense change determined to be pathogenic has been seen before.;The prevalence of the variant in affected individuals is significantly increased compared to the prevalence in controls.;Patient's phenotype or family history is highly specific for a disease with a single genetic etiology.;Assumed de novo, but without confirmation of paternity and maternity.

Literature cited by the submitters: PubMed 24232412 (cited by Myriad Genetics, Inc. and Labcorp Genetics (formerly Invitae), Labcorp); PubMed 41300842 (cited by Myriad Genetics, Inc.); PubMed 16835897 (cited by 3 submitters); PubMed 35119474 (cited by Myriad Genetics, Inc.); PubMed 10712197 (cited by 3 submitters); PubMed 17576681 (cited by Labcorp Genetics (formerly Invitae), Labcorp); PubMed 9536098 (cited by Labcorp Genetics (formerly Invitae), Labcorp).